The following is an entry in ClinVar:

NM_004380.3(CREBBP):c.3232T>C (p.Ser1078Pro)

Gene: CREBBP (CREB binding lysine acetyltransferase; minus strand). Cytogenetic location: 16p13.3.
Variant type: single nucleotide variant.
Coding change: c.3232T>C on transcript NM_004380.3 (MANE Select); coding-DNA position 3232, T replaced by C.
Protein change: p.Ser1078Pro; replaces serine 1078 with proline.
Molecular consequence: missense variant.
Genome position (GRCh38, 1-based): chr16:3,767,738, A>G on the plus strand (T>C on the coding strand, the complement: CREBBP is on the minus strand). VCF-style: chr16-3767738-A-G. GRCh37 (hg19) VCF-style: chr16-3817739-A-G.
Other names: c.3118T>C, p.Ser1040Pro (NM_001079846.1); short protein forms S1040P, S1078P.
Identifiers: ClinVar variation 2636768 (VCV002636768.26), dbSNP rs749028913, ClinGen allele CA7869907.

ClinVar aggregate classification (germline): Conflicting classifications of pathogenicity. Review status: criteria provided, conflicting classifications (1 of 4 stars). 3 submissions from 3 submitters: Uncertain significance (1); Benign (1); Likely benign (1). Last evaluated 2026-01-29.

Conditions:
Rubinstein-Taybi syndrome (RSTS). Identifiers: Orphanet 783, MedGen C0035934, MONDO:0019188.
CREBBP-related disorder. Also called: CREBBP-related disorders; CREBBP-related condition.

Allele frequency attached by ClinVar (database versions not stated): TOPMed below 0.00001; ExAC 0.00001; gnomAD 0.00001; gnomAD exomes 0.00001.
gnomAD v4.1: 25 of 1,614,128 alleles (0.0015%); highest among the groups gnomAD compares: South Asian, 0.016%; no homozygotes.

Submissions (3):

PreventionGenetics, part of Exact Sciences
Classification: Uncertain significance for CREBBP-related condition. Last evaluated: 2026-01-29. Review status: criteria provided, single submitter. Criteria: ACMG Guidelines, 2015. Collection method: clinical testing. Allele origin: germline.
Comment: The CREBBP c.3232T>C variant is predicted to result in the amino acid substitution p.Ser1078Pro. To our knowledge, this variant has not been reported in the literature. This variant is reported in 0.016% of alleles in individuals of South Asian descent in gnomAD, which is likely too frequent for an unreported disease-causing variant. Although we suspect that this variant may be benign, at this time, the clinical significance of this variant is uncertain due to the absence of conclusive functional and genetic evidence.

Labcorp Genetics (formerly Invitae), Labcorp
Classification: Benign for Rubinstein-Taybi syndrome. Last evaluated: 2025-02-10. Review status: criteria provided, single submitter. Criteria: Invitae Variant Classification Sherloc (09022015). Collection method: clinical testing. Allele origin: germline.

CeGaT Center for Human Genetics Tuebingen
Classification: Likely benign. Last evaluated: 2024-01-01. Review status: criteria provided, single submitter. Criteria: CeGaT Center For Human Genetics Tuebingen Variant Classification Criteria Version 2. Collection method: clinical testing. Allele origin: germline. Affected: yes. Observed: 1 variant allele.
Comment: CREBBP: BP4